The following is an entry in ClinVar:

NM_020041.3(SLC2A9):c.150+9G>A

Genes: SLC2A9 (solute carrier family 2 member 9; minus strand), SLC2A9-AS3 (SLC2A9 antisense RNA 3; plus strand). Cytogenetic location: 4p16.1.
Variant type: single nucleotide variant.
Coding change: c.150+9G>A on transcript NM_020041.3 (MANE Select); 9 bases into the intron after coding-DNA position 150, G replaced by A.
Molecular consequence: intron variant.
Genome position (GRCh38, 1-based): chr4:10,021,271, C>T on the plus strand (G>A on the coding strand, the complement: SLC2A9 is on the minus strand). VCF-style: chr4-10021271-C-T. GRCh37 (hg19) VCF-style: chr4-10022895-C-T.
Other names: c.64-2198G>A (NM_001001290.2).
Identifiers: ClinVar variation 347005 (VCV000347005.17), dbSNP rs138627925, ClinGen allele CA2857339.
Genomic context (GRCh38, chr4:10,021,271, plus strand): 5'-ACACGGCTGCCACCCAGGCCTGCCTTCCCCACAGCCCGCCAGCCATGCAGAAAAGCTGTC[C>T]GTAGTTACCTTTCTTCTCCTTCCACCTGGCACCCCACTCCTCAGGTGGTCACACTCCAGC-3'

ClinVar aggregate classification (germline): Benign/Likely benign. Review status: criteria provided, multiple submitters, no conflicts (2 of 4 stars). 5 submissions from 5 submitters: Benign (3); Likely benign (2). Last evaluated 2025-10-13.

Conditions:
Hypouricemia, renal, 2. Also called: HYPOURICEMIA, RENAL, 2, AUTOSOMAL RECESSIVE; HYPOURICEMIA, RENAL, 2, AUTOSOMAL DOMINANT. Identifiers: MedGen C2677549, MONDO:0012793, OMIM 612076.

Allele frequency attached by ClinVar (database versions not stated): 1000 Genomes Project 0.00140; 1000 Genomes Project 30x 0.00172; gnomAD 0.00209 and 0.00213; TOPMed 0.00216; ESP Exome Variant Server 0.00254.
gnomAD v4.1: 4,759 of 1,612,978 alleles (0.3%); highest among the groups gnomAD compares: Middle Eastern, 0.95%; 11 homozygotes.

Submissions (5):

Labcorp Genetics (formerly Invitae), Labcorp
Classification: Benign. Last evaluated: 2025-10-13. Review status: criteria provided, single submitter. Criteria: Invitae Variant Classification Sherloc (09022015). Collection method: clinical testing. Allele origin: germline.

Blueprint Genetics
Classification: Likely benign. Last evaluated: 2024-11-26. Review status: criteria provided, single submitter. Criteria: ACMG Guidelines, 2015. Collection method: clinical testing. Allele origin: germline.

Fulgent Genetics
Classification: Likely benign for Hypouricemia, renal, 2. Last evaluated: 2021-07-20. Review status: criteria provided, single submitter. Criteria: ACMG Guidelines, 2015. Collection method: clinical testing. Allele origin: unknown.

Illumina Laboratory Services, Illumina
Classification: Benign for Hypouricemia, renal, 2. Last evaluated: 2018-01-12. Review status: criteria provided, single submitter. Criteria: ICSL Variant Classification Criteria 13 December 2019. Collection method: clinical testing. Allele origin: germline.
Comment: This variant was observed in the ICSL laboratory as part of a predisposition screen in an ostensibly healthy population. It had not been previously curated by ICSL or reported in the Human Gene Mutation Database (HGMD: prior to June 1st, 2018), and was therefore a candidate for classification through an automated scoring system. Utilizing variant allele frequency, disease prevalence and penetrance estimates, and inheritance mode, an automated score was calculated to assess if this variant is too frequent to cause the disease. Based on the score and internal cut-off values, a variant classified as benign is not then subjected to further curation. The score for this variant resulted in a classification of benign for this disease.

Breakthrough Genomics
Classification: Benign. Review status: criteria provided, single submitter. Criteria: ACMG Guidelines, 2015. Collection method: not provided. Allele origin: germline. Inheritance: Autosomal dominant inheritance. Affected: yes.